The following is an entry in ClinVar:

NM_052945.4(TNFRSF13C):c.152C>T (p.Pro51Leu)

Genes: TNFRSF13C (TNF receptor superfamily member 13C; minus strand), LOC130067574 (ATAC-STARR-seq lymphoblastoid silent region 13813; plus strand). Cytogenetic location: 22q13.2.
Variant type: single nucleotide variant.
Coding change: c.152C>T on transcript NM_052945.4 (MANE Select); coding-DNA position 152, C replaced by T.
Protein change: p.Pro51Leu; replaces proline 51 with leucine.
Molecular consequence: missense variant.
Genome position (GRCh38, 1-based): chr22:41,926,316, G>A on the plus strand (C>T on the coding strand, the complement: TNFRSF13C is on the minus strand). VCF-style: chr22-41926316-G-A. GRCh37 (hg19) VCF-style: chr22-42322320-G-A.
Other names: short protein forms P51L.
Identifiers: ClinVar variation 3695636 (VCV003695636.2).

ClinVar aggregate classification (germline): Uncertain significance (1 of 4 stars; one submission).

Conditions:
Immunodeficiency, common variable, 4. Also called: ANTIBODY DEFICIENCY DUE TO BAFFR DEFECT. Identifiers: Orphanet 1572, Orphanet 696925, MedGen C3150739, MONDO:0013284, OMIM 613494.

gnomAD v4.1: 18 of 1,434,768 alleles (0.0013%); highest among the groups gnomAD compares: Non-Finnish European, 0.0015%; no homozygotes.

Submission:

Labcorp Genetics (formerly Invitae), Labcorp
Classification: Uncertain significance for Immunodeficiency, common variable, 4. Last evaluated: 2024-02-14. Review status: criteria provided, single submitter. Criteria: Invitae Variant Classification Sherloc (09022015). Collection method: clinical testing. Allele origin: germline.
Comment: This sequence change replaces proline, which is neutral and non-polar, with leucine, which is neutral and non-polar, at codon 51 of the TNFRSF13C protein (p.Pro51Leu). This variant is not present in population databases (gnomAD no frequency). This variant has not been reported in the literature in individuals affected with TNFRSF13C-related conditions. Algorithms developed to predict the effect of missense changes on protein structure and function output the following: SIFT: "Not Available"; PolyPhen-2: "Benign"; Align-GVGD: "Not Available". The leucine amino acid residue is found in multiple mammalian species, which suggests that this missense change does not adversely affect protein function. In summary, the available evidence is currently insufficient to determine the role of this variant in disease. Therefore, it has been classified as a Variant of Uncertain Significance.